The following is an entry in ClinVar:

NM_015466.4(PTPN23):c.4010A>G (p.Gln1337Arg)

Gene: PTPN23 (protein tyrosine phosphatase non-receptor type 23; plus strand). Cytogenetic location: 3p21.31.
Variant type: single nucleotide variant.
Coding change: c.4010A>G on transcript NM_015466.4 (MANE Select); coding-DNA position 4010, A replaced by G.
Protein change: p.Gln1337Arg; replaces glutamine 1337 with arginine.
Molecular consequence: missense variant.
Genome position (GRCh38, 1-based): chr3:47,411,904, A>G. VCF-style: chr3-47411904-A-G. GRCh37 (hg19) VCF-style: chr3-47453394-A-G.
Other names: c.3632A>G, p.Gln1211Arg (NM_001304482.2); short protein forms Q1337R, Q1211R.
Identifiers: ClinVar variation 1426519 (VCV001426519.6), dbSNP rs1431619929, ClinGen allele CA352564922.
Genomic context (GRCh38, chr3:47,411,904, plus strand): 5'-GCCTGGCATTGAGCAGCGTCCGCAGCACCGAAACCCATGTGGAGCGCGTGCTGAGCCTGC[A>G]GTTCCGAGACCAGAGCCTCAAGCGCTCTCTTGTGCACCTGCACTTCCCCACTTGGCCTGA-3'
Protein context (NP_056281.1, residues 1327-1347): ETHVERVLSL[Gln1337Arg]FRDQSLKRSL

ClinVar aggregate classification (germline): Uncertain significance (1 of 4 stars; one submission).

Allele frequency attached by ClinVar (database versions not stated): gnomAD 0.00001; TOPMed 0.00001; gnomAD exomes 0.00003.
gnomAD v4.1: 45 of 1,613,132 alleles (0.0028%); highest among the groups gnomAD compares: Non-Finnish European, 0.0038%; no homozygotes.

Submission:

Labcorp Genetics (formerly Invitae), Labcorp
Classification: Uncertain significance. Last evaluated: 2024-05-15. Review status: criteria provided, single submitter. Criteria: Invitae Variant Classification Sherloc (09022015). Collection method: clinical testing. Allele origin: germline.
Comment: This sequence change replaces glutamine, which is neutral and polar, with arginine, which is basic and polar, at codon 1337 of the PTPN23 protein (p.Gln1337Arg). This variant is not present in population databases (gnomAD no frequency). This variant has not been reported in the literature in individuals affected with PTPN23-related conditions. ClinVar contains an entry for this variant (Variation ID: 1426519). An algorithm developed to predict the effect of missense changes on protein structure and function (PolyPhen-2) suggests that this variant is likely to be tolerated. In summary, the available evidence is currently insufficient to determine the role of this variant in disease. Therefore, it has been classified as a Variant of Uncertain Significance.